The following is an entry in ClinVar:

NM_005431.2(XRCC2):c.32G>T (p.Gly11Val)

Gene: XRCC2 (X-ray repair cross complementing 2; minus strand). Cytogenetic location: 7q36.1.
Variant type: single nucleotide variant.
Coding change: c.32G>T on transcript NM_005431.2 (MANE Select); coding-DNA position 32, G replaced by T.
Protein change: p.Gly11Val; replaces glycine 11 with valine.
Molecular consequence: missense variant.
Genome position (GRCh38, 1-based): chr7:152,676,048, C>A on the plus strand (G>T on the coding strand, the complement: XRCC2 is on the minus strand). VCF-style: chr7-152676048-C-A. GRCh37 (hg19) VCF-style: chr7-152373133-C-A.
Other names: short protein forms G11V.
Identifiers: ClinVar variation 1729960 (VCV001729960.2), dbSNP rs2485915602, ClinGen allele CA370199582.

ClinVar aggregate classification (germline): Uncertain significance (1 of 4 stars; one submission).

Conditions:
Hereditary cancer-predisposing syndrome. Also called: Neoplastic Syndromes, Hereditary; Tumor predisposition; Hereditary Cancer Syndrome; Hereditary neoplastic syndrome. Identifiers: Orphanet 140162, MedGen C0027672, MeSH D009386, MONDO:0015356.

Submission:

Ambry Genetics
Classification: Uncertain significance for Hereditary cancer-predisposing syndrome. Last evaluated: 2021-04-12. Review status: criteria provided, single submitter. Criteria: Ambry Variant Classification Scheme 2023. Collection method: clinical testing. Allele origin: germline.
Comment: The p.G11V variant (also known as c.32G>T), located in coding exon 1 of the XRCC2 gene, results from a G to T substitution at nucleotide position 32. The glycine at codon 11 is replaced by valine, an amino acid with dissimilar properties. This amino acid position is highly conserved in available vertebrate species. In addition, the in silico prediction for this alteration is inconclusive. Since supporting evidence is limited at this time, the clinical significance of this alteration remains unclear.